The following is an entry in ClinVar:

NM_001110556.2(FLNA):c.1794G>A (p.Val598=)

Gene: FLNA (filamin A; minus strand). Cytogenetic location: Xq28.
Variant type: single nucleotide variant.
Coding change: c.1794G>A on transcript NM_001110556.2 (MANE Select); coding-DNA position 1794, G replaced by A.
Protein change: p.Val598=; no amino-acid change (valine 598 retained).
Molecular consequence: synonymous variant.
Genome position (GRCh38, 1-based): chrX:154,364,855, C>T on the plus strand (G>A on the coding strand, the complement: FLNA is on the minus strand). VCF-style: chrX-154364855-C-T. GRCh37 (hg19) VCF-style: chrX-153593223-C-T.
Other names: c.1794G>A, p.Val598= (NM_001456.4).
Identifiers: ClinVar variation 389570 (VCV000389570.38), dbSNP rs368304859, ClinGen allele CA10561082.
Genomic context (GRCh38, chrX:154,364,855, plus strand): 5'-TGCCCATGCTGCAGCCTCCAACTTACCCAGCGTGCCCACGTCGTCCCCGATAGCCTCCAC[C>T]ACAAAGTCTGCTGACTTGCCAACGACGCCGCCCTCCAGCCCAGGGCCCCAGGCCCGTACC-3'
Protein context (NP_001104026.1, residues 588-608): GGVVGKSADF[Val598=]VEAIGDDVGT

ClinVar aggregate classification (germline): Likely benign. Review status: criteria provided, multiple submitters, no conflicts (2 of 4 stars). 5 submissions from 5 submitters: Likely benign (5). Last evaluated 2025-02-11.

Conditions:
Familial thoracic aortic aneurysm and aortic dissection (TAAD). Also called: Thoracic aortic aneurysms and dissections. Identifiers: Orphanet 91387, MedGen C4707243, MONDO:0019625.
Frontometaphyseal dysplasia (FMD1). Identifiers: Orphanet 1826, MedGen C0265293, MONDO:0015942.
Melnick-Needles syndrome (MNS). Also called: Melnick-Needles Syndrome (FLNA-MNS); OSTEODYSPLASTY OF MELNICK AND NEEDLES; MELNICK-NEEDLES OSTEODYSPLASTY. Identifiers: Orphanet 2484, MedGen C0025237, MONDO:0010650, OMIM 309350.
Oto-palato-digital syndrome, type II (OPD2). Also called: Otopalatodigital Syndrome Type 2 (FLNA-OPD2); Otopalatodigital Syndrome, Type II; OPD II SYNDROME; FACIOPALATOOSSEOUS SYNDROME. Identifiers: Orphanet 669, Orphanet 90652, MedGen C1844696, MONDO:0010571, OMIM 304120.
Heterotopia, periventricular, X-linked dominant (PVNH1). Also called: PERIVENTRICULAR NODULAR HETEROTOPIA 4; HETEROTOPIA, PERIVENTRICULAR, 1; PERIVENTRICULAR NODULAR HETEROTOPIA 1; X-linked periventricular heterotopia. Identifiers: Orphanet 2149, Orphanet 82004, MedGen C1848213, MONDO:0010233, OMIM 300049.

Allele frequency attached by ClinVar (database versions not stated): ExAC 0.00001; gnomAD 0.00001; gnomAD exomes 0.00001 and 0.00002; TOPMed 0.00002; ESP Exome Variant Server 0.00010.
gnomAD v4.1: 25 of 1,210,109 alleles (0.0021%); highest among the groups gnomAD compares: Non-Finnish European, 0.0023%; no homozygotes.

Submissions (5):

Labcorp Genetics (formerly Invitae), Labcorp
Classification: Likely benign for Oto-palato-digital syndrome, type II; Heterotopia, periventricular, X-linked dominant; Frontometaphyseal dysplasia; Melnick-Needles syndrome. Last evaluated: 2025-02-11. Review status: criteria provided, single submitter. Criteria: Invitae Variant Classification Sherloc (09022015). Collection method: clinical testing. Allele origin: germline.

Blueprint Genetics
Classification: Likely benign. Last evaluated: 2024-10-07. Review status: criteria provided, single submitter. Criteria: ACMG Guidelines, 2015. Collection method: clinical testing. Allele origin: germline.

CeGaT Center for Human Genetics Tuebingen
Classification: Likely benign. Last evaluated: 2022-12-01. Review status: criteria provided, single submitter. Criteria: CeGaT Center For Human Genetics Tuebingen Variant Classification Criteria Version 2. Collection method: clinical testing. Allele origin: germline. Affected: yes. Observed: 1 variant allele.
Comment: FLNA: BP4, BP7

GeneDx
Classification: Likely benign. Last evaluated: 2020-12-01. Review status: criteria provided, single submitter. Criteria: GeneDx Variant Classification Process June 2021. Collection method: clinical testing. Allele origin: germline. Affected: yes.

Ambry Genetics
Classification: Likely benign for Familial thoracic aortic aneurysm and aortic dissection. Last evaluated: 2016-03-31. Review status: criteria provided, single submitter. Criteria: Ambry Variant Classification Scheme 2023. Collection method: clinical testing. Allele origin: germline.